The following is an entry in ClinVar:

NM_005431.2(XRCC2):c.545A>C (p.Lys182Thr)

Gene: XRCC2 (X-ray repair cross complementing 2; minus strand). Cytogenetic location: 7q36.1.
Variant type: single nucleotide variant.
Coding change: c.545A>C on transcript NM_005431.2 (MANE Select); coding-DNA position 545, A replaced by C.
Protein change: p.Lys182Thr; replaces lysine 182 with threonine.
Molecular consequence: missense variant.
Genome position (GRCh38, 1-based): chr7:152,648,940, T>G on the plus strand (A>C on the coding strand, the complement: XRCC2 is on the minus strand). VCF-style: chr7-152648940-T-G. GRCh37 (hg19) VCF-style: chr7-152346025-T-G.
Other names: short protein forms K182T.
Identifiers: ClinVar variation 1747646 (VCV001747646.2), dbSNP rs2485881043, ClinGen allele CA370198461.

ClinVar aggregate classification (germline): Uncertain significance (1 of 4 stars; one submission).

Conditions:
Hereditary cancer-predisposing syndrome. Also called: Hereditary Cancer Syndrome; Neoplastic Syndromes, Hereditary; Tumor predisposition; Hereditary neoplastic syndrome. Identifiers: Orphanet 140162, MedGen C0027672, MeSH D009386, MONDO:0015356.

Submission:

Ambry Genetics
Classification: Uncertain significance for Hereditary cancer-predisposing syndrome. Last evaluated: 2021-11-02. Review status: criteria provided, single submitter. Criteria: Ambry Variant Classification Scheme 2023. Collection method: clinical testing. Allele origin: germline.
Comment: The p.K182T variant (also known as c.545A>C), located in coding exon 3 of the XRCC2 gene, results from an A to C substitution at nucleotide position 545. The lysine at codon 182 is replaced by threonine, an amino acid with similar properties. This amino acid position is conserved. In addition, this alteration is predicted to be tolerated by in silico analysis. Since supporting evidence is limited at this time, the clinical significance of this alteration remains unclear.